The following is an entry in ClinVar:

NM_002972.4(SBF1):c.565G>T (p.Gly189Trp)

Gene: SBF1 (SET binding factor 1; minus strand). Cytogenetic location: 22q13.33.
Variant type: single nucleotide variant.
Coding change: c.565G>T on transcript NM_002972.4 (MANE Select); coding-DNA position 565, G replaced by T.
Protein change: p.Gly189Trp; replaces glycine 189 with tryptophan.
Molecular consequence: missense variant.
Genome position (GRCh38, 1-based): chr22:50,466,695, C>A on the plus strand (G>T on the coding strand, the complement: SBF1 is on the minus strand). VCF-style: chr22-50466695-C-A. GRCh37 (hg19) VCF-style: chr22-50905124-C-A.
Other names: c.568G>T, p.Gly190Trp (NM_001365819.1); short protein forms G189W, G190W.
Identifiers: ClinVar variation 1394122 (VCV001394122.6), dbSNP rs2067774465, ClinGen allele CA412222209.

ClinVar aggregate classification (germline): Uncertain significance (1 of 4 stars; one submission).

Submission:

Labcorp Genetics (formerly Invitae), Labcorp
Classification: Uncertain significance. Last evaluated: 2021-08-17. Review status: criteria provided, single submitter. Criteria: Invitae Variant Classification Sherloc (09022015). Collection method: clinical testing. Allele origin: germline.
Comment: In summary, the available evidence is currently insufficient to determine the role of this variant in disease. Therefore, it has been classified as a Variant of Uncertain Significance. Algorithms developed to predict the effect of missense changes on protein structure and function are either unavailable or do not agree on the potential impact of this missense change (SIFT: "Deleterious"; PolyPhen-2: "Probably Damaging"; Align-GVGD: "Class C0"). This variant has not been reported in the literature in individuals affected with SBF1-related conditions. The frequency data for this variant in the population databases is considered unreliable, as metrics indicate insufficient coverage at this position in the ExAC database. This sequence change replaces glycine with tryptophan at codon 189 of the SBF1 protein (p.Gly189Trp). The glycine residue is moderately conserved and there is a large physicochemical difference between glycine and tryptophan.